The following is an entry in ClinVar:

ClinVar aggregate classification (germline): Uncertain significance (1 of 4 stars; one submission).

Conditions:
SMAD6-related disease. Also called: SMAD6-related condition; SMAD6-related disorder. Identifiers: MedGen CN381596, MONDO:0700324.

Submission:

PreventionGenetics, part of Exact Sciences
Classification: Uncertain significance for SMAD6-related condition. Last evaluated: 2023-05-11. Review status: criteria provided, single submitter. Criteria: ACMG Guidelines, 2015. Collection method: clinical testing. Allele origin: germline.
Comment: The SMAD6 c.1447T>C variant is predicted to result in the amino acid substitution p.Ser483Pro. The c.1447T>C (p.Ser483Pro) variant was maternally-inherited in this individual; however, detailed clinical information of the mother was not available (Kloth et al. 2019. PubMed ID: 30963242). This variant has not been reported in a large population database, indicating this variant is rare. At this time, the clinical significance of this variant is uncertain due to the absence of conclusive functional and genetic evidence.

NM_005585.5(SMAD6):c.1447T>C (p.Ser483Pro)

Gene: SMAD6 (SMAD family member 6; plus strand). Cytogenetic location: 15q22.31.
Variant type: single nucleotide variant.
Coding change: c.1447T>C on transcript NM_005585.5 (MANE Select); coding-DNA position 1447, T replaced by C.
Protein change: p.Ser483Pro; replaces serine 483 with proline.
Molecular consequence: missense variant. On other transcripts: non-coding transcript variant (1).
Genome position (GRCh38, 1-based): chr15:66,781,491, T>C. VCF-style: chr15-66781491-T-C. GRCh37 (hg19) VCF-style: chr15-67073829-T-C.
Other names: short protein forms S483P.
Identifiers: ClinVar variation 2632880 (VCV002632880.1), dbSNP rs1894575580, ClinGen allele CA393202556.
Genomic context (GRCh38, chr15:66,781,491, plus strand): 5'-AGCGTCCGCATCAGCTTCGCCAAGGGCTGGGGGCCCTGCTACTCCCGGCAGTTCATCACC[T>C]CCTGCCCCTGCTGGCTGGAGATCCTCCTCAACAACCCCAGATAGTGGCGGCCCCGGCGGG-3'
Protein context (NP_005576.3, residues 473-493): GPCYSRQFIT[Ser483Pro]CPCWLEILLN